The following is an entry in ClinVar:

NM_005506.4(SCARB2):c.1249A>G (p.Ile417Val)

Gene: SCARB2 (scavenger receptor class B member 2; minus strand). Cytogenetic location: 4q21.1.
Variant type: single nucleotide variant.
Coding change: c.1249A>G on transcript NM_005506.4 (MANE Select); coding-DNA position 1249, A replaced by G.
Protein change: p.Ile417Val; replaces isoleucine 417 with valine.
Molecular consequence: missense variant.
Genome position (GRCh38, 1-based): chr4:76,163,374, T>C on the plus strand (A>G on the coding strand, the complement: SCARB2 is on the minus strand). VCF-style: chr4-76163374-T-C. GRCh37 (hg19) VCF-style: chr4-77084527-T-C.
Other names: c.820A>G, p.Ile274Val (NM_001204255.2); short protein forms I274V, I417V.
Identifiers: ClinVar variation 1449959 (VCV001449959.7), dbSNP rs778593496, ClinGen allele CA2970132.
Genomic context (GRCh38, chr4:76,163,374, plus strand): 5'-TGGTGATGATCAAAGTAGTGTTAATCATAGACTTCAGTCGACTCGCCGTCTCTTTATCAA[T>C]GTGAACACTCTGGAGAGGCAAGAAAATAGTATTCTTGATGACTAAACATCCAGTGTGTAA-3'
Protein context (NP_005497.1, residues 407-427): PVMYLNESVH[Ile417Val]DKETASRLKS

ClinVar aggregate classification (germline): Uncertain significance. Review status: criteria provided, multiple submitters, no conflicts (2 of 4 stars). 2 submissions from 2 submitters: Uncertain significance (2). Last evaluated 2023-10-13.

Conditions:
Progressive myoclonic epilepsy. Also called: Familial progressive myoclonic epilepsy; Myoclonic Epilepsies, Progressive; Progressive myoclonus epilepsy; Myoclonus epilepsy. Identifiers: Orphanet 308, Orphanet 98261, MedGen C0751778, MONDO:0020074.
Action myoclonus-renal failure syndrome. Also called: MYOCLONUS-NEPHROPATHY SYNDROME; SCARB2-Related Action Myoclonus-Renal Failure Syndrome; EPILEPSY, PROGRESSIVE MYOCLONIC, 4, WITH RENAL FAILURE; EPILEPSY, PROGRESSIVE MYOCLONIC, 4, WITHOUT RENAL FAILURE. Identifiers: Orphanet 163696, MedGen C0751779, MeSH D020191, MONDO:0009699, OMIM 254900.

Allele frequency attached by ClinVar (database versions not stated): ExAC 0.00001; gnomAD exomes 0.00002; TOPMed 0.00002; gnomAD 0.00003.
gnomAD v4.1: 21 of 1,614,100 alleles (0.0013%); highest among the groups gnomAD compares: Admixed American, 0.0017%; no homozygotes.

Submissions (2):

Labcorp Genetics (formerly Invitae), Labcorp
Classification: Uncertain significance for Progressive myoclonic epilepsy. Last evaluated: 2023-10-13. Review status: criteria provided, single submitter. Criteria: Invitae Variant Classification Sherloc (09022015). Collection method: clinical testing. Allele origin: germline.
Comment: This sequence change replaces isoleucine, which is neutral and non-polar, with valine, which is neutral and non-polar, at codon 417 of the SCARB2 protein (p.Ile417Val). This variant is present in population databases (rs778593496, gnomAD 0.006%). This variant has not been reported in the literature in individuals affected with SCARB2-related conditions. ClinVar contains an entry for this variant (Variation ID: 1449959). Advanced modeling of protein sequence and biophysical properties (such as structural, functional, and spatial information, amino acid conservation, physicochemical variation, residue mobility, and thermodynamic stability) performed at Invitae indicates that this missense variant is not expected to disrupt SCARB2 protein function. In summary, the available evidence is currently insufficient to determine the role of this variant in disease. Therefore, it has been classified as a Variant of Uncertain Significance.

Fulgent Genetics
Classification: Uncertain significance for Action myoclonus-renal failure syndrome. Last evaluated: 2022-02-13. Review status: criteria provided, single submitter. Criteria: ACMG Guidelines, 2015. Collection method: clinical testing. Allele origin: unknown.